The following is an entry in ClinVar:

ClinVar aggregate classification (germline): Benign/Likely benign. Review status: criteria provided, multiple submitters, no conflicts (2 of 4 stars). 13 submissions from 13 submitters: Benign (4); Likely benign (6). 3 of the submissions do not count toward it. Last evaluated 2026-01-21.

Conditions:
DMD-related disorder. Also called: DMD-related condition.
Duchenne muscular dystrophy (DMD). Also called: Duchenne Muscular Dystrophy (DMD); MUSCULAR DYSTROPHY, PSEUDOHYPERTROPHIC PROGRESSIVE, DUCHENNE TYPE. Identifiers: Orphanet 98896, MedGen C0013264, MONDO:0010679, OMIM 310200.
Cardiomyopathy (CMYO). Also called: Cardiomyopathies. Identifiers: Orphanet 167848, MedGen C0878544, MONDO:0004994, HP:0001638. Inheritance: Various modes of inheritance.
Becker muscular dystrophy (BMD). Also called: Becker Muscular Dystrophy (BMD); MUSCULAR DYSTROPHY, PSEUDOHYPERTROPHIC PROGRESSIVE, BECKER TYPE. Identifiers: Orphanet 98895, MedGen C0917713, MONDO:0010311, OMIM 300376.
Dystrophin deficiency.
Cardiovascular phenotype. Identifiers: MedGen CN230736.

Allele frequency attached by ClinVar (database versions not stated): ESP Exome Variant Server 0.00019; gnomAD exomes 0.00023 and 0.00045; ExAC 0.00024; TOPMed 0.00025; gnomAD 0.00026.
gnomAD v4.1: 521 of 1,208,414 alleles (0.043%); highest among the groups gnomAD compares: Non-Finnish European, 0.054%; 1 homozygote.

Submissions (13):

Labcorp Genetics (formerly Invitae), Labcorp
Classification: Benign for Duchenne muscular dystrophy. Last evaluated: 2026-01-21. Review status: criteria provided, single submitter. Criteria: Invitae Variant Classification Sherloc (09022015). Collection method: clinical testing. Allele origin: germline.

Molecular Diagnostic Laboratory for Inherited Cardiovascular Disease, Montreal Heart Institute
Classification: Likely benign. Last evaluated: 2025-04-09. Review status: criteria provided, single submitter. Criteria: ACMG Guidelines, 2015. Collection method: clinical testing. Allele origin: germline. Affected: no.

ARUP Laboratories, Molecular Genetics and Genomics, ARUP Laboratories
Classification: Likely benign. Last evaluated: 2025-03-20. Review status: criteria provided, single submitter. Criteria: ARUP Molecular Germline Variant Investigation Process 2024. Collection method: clinical testing. Allele origin: germline.

PreventionGenetics, part of Exact Sciences
Classification: Likely benign for DMD-related condition. Last evaluated: 2025-02-24. Review status: criteria provided, single submitter. Criteria: ACMG Guidelines, 2015. Collection method: clinical testing. Allele origin: germline.
Comment: This variant is classified as likely benign based on ACMG/AMP sequence variant interpretation guidelines (Richards et al. 2015 PMID: 25741868, with internal and published modifications).

Blueprint Genetics
Classification: Benign. Last evaluated: 2024-07-22. Review status: criteria provided, single submitter. Criteria: ACMG Guidelines, 2015. Collection method: clinical testing. Allele origin: germline.

CeGaT Center for Human Genetics Tuebingen
Classification: Likely benign. Last evaluated: 2022-10-01. Review status: criteria provided, single submitter. Criteria: CeGaT Center For Human Genetics Tuebingen Variant Classification Criteria Version 2. Collection method: clinical testing. Allele origin: germline. Affected: yes. Observed: 3 variant alleles.
Comment: DMD: BP4, BS1

GeneDx
Classification: Benign. Last evaluated: 2021-03-02. Review status: criteria provided, single submitter. Criteria: GeneDx Variant Classification Process June 2021. Collection method: clinical testing. Allele origin: germline. Affected: yes.

Ambry Genetics
Classification: Benign for Cardiovascular phenotype. Last evaluated: 2018-02-13. Review status: criteria provided, single submitter. Criteria: Ambry Variant Classification Scheme 2023. Collection method: clinical testing. Allele origin: germline.

Eurofins Ntd Llc (ga)
Classification: Likely benign. Last evaluated: 2017-03-05. Review status: criteria provided, single submitter. Criteria: EGL Classification Definitions 2015. Collection method: clinical testing. Allele origin: germline. Observed: 5 variant alleles, 3 heterozygotes, 2 hemizygotes.

Laboratory for Molecular Medicine, Mass General Brigham Personalized Medicine
Classification: Likely benign. Last evaluated: 2016-02-18. Review status: criteria provided, single submitter. Criteria: LMM Criteria. Collection method: clinical testing. Allele origin: germline. Observed: 2 variant alleles.
Comment: p.Thr418Ser in exon 11 of DMD: This variant is not expected to have clinical sig nificance because it was seen in 20/47913 European chromosomes, including 5 hem izygotes, by the Exome Aggregation Consortium (ExAC. org; dbSNP rs201341211) and due to a lack of conservation across species, includ ing mammals. Of note, >5 mammals (Ferret, Panda, Pacific Walrus, Weddell seal, M anatee, Armadillo, Platypus) have serine (Ser) at this position despite high nea rby amino acid conservation. In addition, computational prediction tools do not suggest a high likelihood of impact to the protein.

Natera, Inc.
Classification: Likely benign for Becker muscular dystrophy; Cardiomyopathy; Duchenne muscular dystrophy; Dystrophin deficiency. Last evaluated: 2019-06-24. Review status: no assertion criteria provided. Collection method: clinical testing. Allele origin: germline. Not counted in ClinVar's aggregate classification.

Clinical Genetics DNA and cytogenetics Diagnostics Lab, Erasmus MC, Erasmus Medical Center
Classification: Likely benign. Review status: no assertion criteria provided. Collection method: clinical testing. Allele origin: germline. Affected: yes. Study: VKGL Data-share Consensus. Not counted in ClinVar's aggregate classification.

Laboratory of Diagnostic Genome Analysis, Leiden University Medical Center (LUMC)
Classification: Likely benign. Review status: no assertion criteria provided. Collection method: clinical testing. Allele origin: germline. Affected: yes. Study: VKGL Data-share Consensus. Not counted in ClinVar's aggregate classification.

NM_004006.3(DMD):c.1252A>T (p.Thr418Ser)

Gene: DMD (dystrophin; minus strand). Cytogenetic location: Xp21.1.
Variant type: single nucleotide variant.
Coding change: c.1252A>T on transcript NM_004006.3 (MANE Select); coding-DNA position 1252, A replaced by T.
Protein change: p.Thr418Ser; replaces threonine 418 with serine.
Molecular consequence: missense variant.
Genome position (GRCh38, 1-based): chrX:32,644,211, T>A on the plus strand (A>T on the coding strand, the complement: DMD is on the minus strand). VCF-style: chrX-32644211-T-A. GRCh37 (hg19) VCF-style: chrX-32662328-T-A.
Other names: p.T418S:ACT>TCT; c.1228A>T, p.Thr410Ser (NM_000109.4); c.1240A>T, p.Thr414Ser (NM_004009.3); c.883A>T, p.Thr295Ser (NM_004010.3); short protein forms T418S, T295S, T410S, T414S.
Identifiers: ClinVar variation 166863 (VCV000166863.70), dbSNP rs201341211, ClinGen allele CA295599.
Genomic context (GRCh38, chrX:32,644,211, plus strand): 5'-TAGCTACCCTGAGGCATTCCCATCTTGAATTTAGGAGATTCATCTGCTCTTGTACTTCAG[T>A]TTCTTCATCTTCTGATAATTTTCCTGTTCCAATCAGCTTACTTCCCAATTGTAGAATATT-3'
Protein context (NP_003997.2, residues 408-428): GTGKLSEDEE[Thr418Ser]EVQEQMNLLN